The following is an entry in ClinVar:

NM_001009944.3(PKD1):c.845G>A (p.Gly282Glu)

Gene: PKD1 (polycystin 1, transient receptor potential channel interacting; minus strand). Cytogenetic location: 16p13.3.
Variant type: single nucleotide variant.
Coding change: c.845G>A on transcript NM_001009944.3 (MANE Select); coding-DNA position 845, G replaced by A.
Protein change: p.Gly282Glu; replaces glycine 282 with glutamic acid.
Molecular consequence: missense variant.
Genome position (GRCh38, 1-based): chr16:2,118,147, C>T on the plus strand (G>A on the coding strand, the complement: PKD1 is on the minus strand). VCF-style: chr16-2118147-C-T. GRCh37 (hg19) VCF-style: chr16-2168148-C-T.
Other names: c.845G>A, p.Gly282Glu (NM_000296.4); short protein forms G282E.
Identifiers: ClinVar variation 3349672 (VCV003349672.1).

ClinVar aggregate classification (germline): Uncertain significance (0 of 4 stars; one submission).

Conditions:
PKD1-related disorder. Also called: PKD1-related condition.

Submission:

PreventionGenetics, part of Exact Sciences
Classification: Uncertain significance for PKD1-related condition. Last evaluated: 2024-09-19. Review status: no assertion criteria provided. Collection method: clinical testing. Allele origin: germline.
Comment: The PKD1 c.845G>A variant is predicted to result in the amino acid substitution p.Gly282Glu. To our knowledge, this variant has not been reported in the literature. This variant is reported in 0.035% of alleles in individuals of East Asian descent in gnomAD. Although we suspect that this variant may be benign, at this time, the clinical significance of this variant is uncertain due to the absence of conclusive functional and genetic evidence.